The following is an entry in ClinVar:

ClinVar aggregate classification (germline): Uncertain significance (1 of 4 stars; one submission).

Conditions:
Imerslund-Grasbeck syndrome. Also called: PERNICIOUS ANEMIA, JUVENILE, DUE TO SELECTIVE INTESTINAL MALABSORPTION OF VITAMIN B12, WITH PROTEINURIA; Megaloblastic anemia due to inborn errors of metabolism; ENTEROCYTE COBALAMIN MALABSORPTION; ENTEROCYTE INTRINSIC FACTOR RECEPTOR, DEFECT OF; Imerslund-Gräsbeck syndrome. Identifiers: Orphanet 35858, MedGen C4551825, MONDO:0009853.

Allele frequency attached by ClinVar (database versions not stated): ExAC 0.00001; gnomAD 0.00003; TOPMed 0.00004; gnomAD exomes 0.00005.
gnomAD v4.1: 70 of 1,605,368 alleles (0.0044%); highest among the groups gnomAD compares: Non-Finnish European, 0.0055%; no homozygotes.

Submission:

Labcorp Genetics (formerly Invitae), Labcorp
Classification: Uncertain significance for Imerslund-Grasbeck syndrome. Last evaluated: 2025-08-09. Review status: criteria provided, single submitter. Criteria: Invitae Variant Classification Sherloc (09022015). Collection method: clinical testing. Allele origin: germline.
Comment: This sequence change falls in intron 22 of the CUBN gene. It does not directly change the encoded amino acid sequence of the CUBN protein. This variant is present in population databases (rs756998727, gnomAD 0.006%). This variant has not been reported in the literature in individuals affected with CUBN-related conditions. ClinVar contains an entry for this variant (Variation ID: 2155229). Algorithms developed to predict the effect of sequence changes on RNA splicing suggest that this variant may disrupt the consensus splice site. In summary, the available evidence is currently insufficient to determine the role of this variant in disease. Therefore, it has been classified as a Variant of Uncertain Significance.

NM_001081.4(CUBN):c.3140-19G>A

Gene: CUBN (cubilin; minus strand). Cytogenetic location: 10p13.
Variant type: single nucleotide variant.
Coding change: c.3140-19G>A on transcript NM_001081.4 (MANE Select); 19 bases into the intron before coding-DNA position 3140, G replaced by A.
Molecular consequence: intron variant.
Genome position (GRCh38, 1-based): chr10:17,047,622, C>T on the plus strand (G>A on the coding strand, the complement: CUBN is on the minus strand). VCF-style: chr10-17047622-C-T. GRCh37 (hg19) VCF-style: chr10-17089621-C-T.
Identifiers: ClinVar variation 2155229 (VCV002155229.2), dbSNP rs756998727, ClinGen allele CA5424736.